The following is an entry in ClinVar:

ClinVar aggregate classification (germline): Pathogenic (1 of 4 stars; one submission).

Conditions:
Breast-ovarian cancer, familial, susceptibility to, 4. Identifiers: Orphanet 145, MedGen C3280345, MONDO:0013669, OMIM 614291.

Submission:

Labcorp Genetics (formerly Invitae), Labcorp
Classification: Pathogenic for Breast-ovarian cancer, familial, susceptibility to, 4. Last evaluated: 2020-06-15. Review status: criteria provided, single submitter. Criteria: Invitae Variant Classification Sherloc (09022015). Collection method: clinical testing. Allele origin: germline.
Comment: This variant has not been reported in the literature in individuals with RAD51D-related conditions. Loss-of-function variants in RAD51D are known to be pathogenic (PMID: 21822267). Algorithms developed to predict the effect of sequence changes on RNA splicing suggest that this variant may create or strengthen a splice site, but this prediction has not been confirmed by published transcriptional studies. This variant is not present in population databases (ExAC no frequency). This sequence change creates a premature translational stop signal (p.Glu101Glyfs*3) in the RAD51D gene. It is expected to result in an absent or disrupted protein product. For these reasons, this variant has been classified as Pathogenic.

Literature cited by the submitters: PubMed 21822267.

NM_002878.4(RAD51D):c.302_303del (p.Glu101fs)

Genes: RAD51L3-RFFL (RAD51L3-RFFL readthrough; minus strand), RAD51D (RAD51 paralog D; minus strand). Cytogenetic location: 17q12.
Variant type: Deletion.
Coding change: c.302_303del on transcript NM_002878.4 (MANE Select); coding-DNA positions 302 to 303, 2 bases deleted (AA; older notation c.302_303delAA).
Protein change: p.Glu101fs; shifts the reading frame from glutamic acid 101.
Molecular consequence: frameshift variant. On other transcripts: non-coding transcript variant (2), intron variant (1).
Genome position (GRCh38, 1-based): chr17:35,107,408-35,107,409, TT deleted on the plus strand (AA on the coding strand, the reverse complement: RAD51D is on the minus strand). VCF-style (leftmost placement, unchanged base first): chr17-35107407-CTT-C. GRCh37 (hg19) VCF-style: chr17-33434426-CTT-C.
Other names: c.362_363del, p.Glu121fs (NM_001142571.2); c.145-928_145-927del (NM_133629.3); short protein forms E101fs, E121fs.
Identifiers: ClinVar variation 1069439 (VCV001069439.7), dbSNP rs2142436967, ClinGen allele CA2499224278.